The following is an entry in ClinVar:

ClinVar aggregate classification (germline): Pathogenic (1 of 4 stars; one submission).

Conditions:
Primary ciliary dyskinesia. Also called: Ciliary dyskinesia. Identifiers: Orphanet 244, MedGen C0008780, MONDO:0016575, HP:0012265.

Submission:

Labcorp Genetics (formerly Invitae), Labcorp
Classification: Pathogenic for Primary ciliary dyskinesia. Last evaluated: 2025-08-12. Review status: criteria provided, single submitter. Criteria: Invitae Variant Classification Sherloc (09022015). Collection method: clinical testing. Allele origin: germline.
Comment: This sequence change creates a premature translational stop signal (p.Lys3509*) in the DNAH11 gene. It is expected to result in an absent or disrupted protein product. Loss-of-function variants in DNAH11 are known to be pathogenic (PMID: 18022865, 20513915, 22184204). This variant is not present in population databases (gnomAD no frequency). This variant has not been reported in the literature in individuals affected with DNAH11-related conditions. Algorithms developed to predict the effect of sequence changes on RNA splicing suggest that this variant may disrupt the consensus splice site. For these reasons, this variant has been classified as Pathogenic.

Literature cited by the submitters: PubMed 18022865; PubMed 20513915; PubMed 22184204.

NM_001277115.2(DNAH11):c.10525A>T (p.Lys3509Ter)

Gene: DNAH11 (dynein axonemal heavy chain 11; plus strand). Cytogenetic location: 7p15.3.
Variant type: single nucleotide variant.
Coding change: c.10525A>T on transcript NM_001277115.2 (MANE Select); coding-DNA position 10525, A replaced by T.
Protein change: p.Lys3509Ter; replaces lysine 3509 with a stop codon.
Molecular consequence: nonsense.
Genome position (GRCh38, 1-based): chr7:21,816,659, A>T. VCF-style: chr7-21816659-A-T. GRCh37 (hg19) VCF-style: chr7-21856277-A-T.
Other names: short protein forms K3509*.
Identifiers: ClinVar variation 4725333 (VCV004725333.1).